The following is an entry in ClinVar:

NM_005045.4(RELN):c.982T>C (p.Trp328Arg)

Gene: RELN (reelin; minus strand). Cytogenetic location: 7q22.1.
Variant type: single nucleotide variant.
Coding change: c.982T>C on transcript NM_005045.4 (MANE Select); coding-DNA position 982, T replaced by C.
Protein change: p.Trp328Arg; replaces tryptophan 328 with arginine.
Molecular consequence: missense variant.
Genome position (GRCh38, 1-based): chr7:103,698,014, A>G on the plus strand (T>C on the coding strand, the complement: RELN is on the minus strand). VCF-style: chr7-103698014-A-G. GRCh37 (hg19) VCF-style: chr7-103338461-A-G.
Other names: c.982T>C, p.Trp328Arg (NM_173054.3); short protein forms W328R.
Identifiers: ClinVar variation 1520456 (VCV001520456.6), dbSNP rs2115780980, ClinGen allele CA368927748.

ClinVar aggregate classification (germline): Uncertain significance (1 of 4 stars; one submission).

Conditions:
Familial temporal lobe epilepsy 7. Identifiers: Orphanet 101046, MedGen C4225327, MONDO:0014639, OMIM 616436.
Norman-Roberts syndrome (LIS2). Also called: Lissencephaly 2 (Norman-Roberts type). Identifiers: Orphanet 89844, MedGen C0796089, MONDO:0009760, OMIM 257320.

Submission:

Labcorp Genetics (formerly Invitae), Labcorp
Classification: Uncertain significance for Familial temporal lobe epilepsy 7; Norman-Roberts syndrome. Last evaluated: 2021-09-20. Review status: criteria provided, single submitter. Criteria: Invitae Variant Classification Sherloc (09022015). Collection method: clinical testing. Allele origin: germline.
Comment: This sequence change replaces tryptophan with arginine at codon 328 of the RELN protein (p.Trp328Arg). The tryptophan residue is highly conserved and there is a moderate physicochemical difference between tryptophan and arginine. This variant is not present in population databases (ExAC no frequency). This variant has not been reported in the literature in individuals affected with RELN-related conditions. Algorithms developed to predict the effect of missense changes on protein structure and function are either unavailable or do not agree on the potential impact of this missense change (SIFT: "Deleterious"; PolyPhen-2: "Possibly Damaging"; Align-GVGD: "Class C0"). In summary, the available evidence is currently insufficient to determine the role of this variant in disease. Therefore, it has been classified as a Variant of Uncertain Significance.